The following is an entry in ClinVar:

NM_003235.5(TG):c.7863-1G>A

Gene: TG (thyroglobulin; plus strand). Cytogenetic location: 8q24.22.
Variant type: single nucleotide variant.
Coding change: c.7863-1G>A on transcript NM_003235.5 (MANE Select); the canonical splice acceptor site of the intron before coding-DNA position 7863, G replaced by A.
Molecular consequence: splice acceptor variant.
Genome position (GRCh38, 1-based): chr8:133,131,811, G>A. VCF-style: chr8-133131811-G-A. GRCh37 (hg19) VCF-style: chr8-134144055-G-A.
Identifiers: ClinVar variation 3010876 (VCV003010876.4), dbSNP rs998036326, ClinGen allele CA186355500.

ClinVar aggregate classification (germline): Likely pathogenic. Review status: criteria provided, multiple submitters, no conflicts (2 of 4 stars). 2 submissions from 2 submitters: Likely pathogenic (2). Last evaluated 2024-05-14.

Conditions:
Iodotyrosyl coupling defect (TDH3). Also called: THYROID HORMONOGENESIS, GENETIC DEFECT IN, 3; HYPOTHYROIDISM, CONGENITAL, DUE TO DYSHORMONOGENESIS, 3. Identifiers: Orphanet 95716, MedGen C0342194, MONDO:0010135, OMIM 274700.
Autoimmune thyroid disease, susceptibility to, 3. Identifiers: MedGen C1842444, MONDO:0011982, OMIM 608175.

Submissions (2):

Fulgent Genetics
Classification: Likely pathogenic for Iodotyrosyl coupling defect; Autoimmune thyroid disease, susceptibility to, 3. Last evaluated: 2024-05-14. Review status: criteria provided, single submitter. Criteria: ACMG Guidelines, 2015. Collection method: clinical testing. Allele origin: germline.

Labcorp Genetics (formerly Invitae), Labcorp
Classification: Likely pathogenic. Last evaluated: 2023-07-31. Review status: criteria provided, single submitter. Criteria: Invitae Variant Classification Sherloc (09022015). Collection method: clinical testing. Allele origin: germline.
Comment: This variant is present in population databases (no rsID available, gnomAD 0.0009%). This variant has not been reported in the literature in individuals affected with TG-related conditions. Algorithms developed to predict the effect of sequence changes on RNA splicing suggest that this variant may disrupt the consensus splice site. In summary, the currently available evidence indicates that the variant is pathogenic, but additional data are needed to prove that conclusively. Therefore, this variant has been classified as Likely Pathogenic. This sequence change affects an acceptor splice site in intron 45 of the TG gene. It is expected to disrupt RNA splicing. Variants that disrupt the donor or acceptor splice site typically lead to a loss of protein function (PMID: 16199547), and loss-of-function variants in TG are known to be pathogenic (PMID: 19837936, 23164529).

Literature cited by the submitters: PubMed 16199547 (cited by Labcorp Genetics (formerly Invitae), Labcorp); PubMed 19837936 (cited by Labcorp Genetics (formerly Invitae), Labcorp); PubMed 23164529 (cited by Labcorp Genetics (formerly Invitae), Labcorp).